The following is an entry in ClinVar:

ClinVar aggregate classification (germline): Uncertain significance. Review status: criteria provided, multiple submitters, no conflicts (2 of 4 stars). 3 submissions from 3 submitters: Uncertain significance (3). Last evaluated 2023-11-13.

Conditions:
Nemaline myopathy 6 (NEM6). Also called: Nemaline myopathy 6, autosomal dominant. Identifiers: Orphanet 171439, MedGen C1836472, MONDO:0012237, OMIM 609273.

Allele frequency attached by ClinVar (database versions not stated): gnomAD exomes below 0.00001; gnomAD 0.00001; TOPMed 0.00001.

Submissions (3):

Women's Health and Genetics/Laboratory Corporation of America, LabCorp
Classification: Uncertain significance. Last evaluated: 2023-11-13. Review status: criteria provided, single submitter. Criteria: LabCorp Variant Classification Summary - May 2015. Collection method: clinical testing. Allele origin: germline.
Comment: Variant summary: KBTBD13 c.197G>A (p.Arg66His) results in a non-conservative amino acid change located in the BTB/POZ domain (IPR000210) of the encoded protein sequence. Three of five in-silico tools predict a benign effect of the variant on protein function. The variant was absent in 109310 control chromosomes (gnomAD). The available data on variant occurrences in the general population are insufficient to allow any conclusion about variant significance. To our knowledge, no occurrence of c.197G>A in individuals affected with Nemaline Myopathy 6 and no experimental evidence demonstrating its impact on protein function have been reported. Two submitters have cited clinical-significance assessments for this variant to ClinVar after 2014. Both submitters classified the variant as uncertain significance. Based on the evidence outlined above, the variant was classified as uncertain significance.

Labcorp Genetics (formerly Invitae), Labcorp
Classification: Uncertain significance for Nemaline myopathy 6. Last evaluated: 2020-07-15. Review status: criteria provided, single submitter. Criteria: Invitae Variant Classification Sherloc (09022015). Collection method: clinical testing. Allele origin: germline.
Comment: This variant has not been reported in the literature in individuals with KBTBD13-related conditions. ClinVar contains an entry for this variant (Variation ID: 393161). The frequency data for this variant in the population databases is considered unreliable, as metrics indicate insufficient coverage at this position in the ExAC database. This sequence change replaces arginine with histidine at codon 66 of the KBTBD13 protein (p.Arg66His). The arginine residue is moderately conserved and there is a small physicochemical difference between arginine and histidine. Algorithms developed to predict the effect of missense changes on protein structure and function (SIFT, PolyPhen-2, Align-GVGD) all suggest that this variant is likely to be tolerated, but these predictions have not been confirmed by published functional studies and their clinical significance is uncertain. In summary, the available evidence is currently insufficient to determine the role of this variant in disease. Therefore, it has been classified as a Variant of Uncertain Significance.

GeneDx
Classification: Uncertain significance. Last evaluated: 2017-01-24. Review status: criteria provided, single submitter. Criteria: GeneDx Variant Classification (06012015). Collection method: clinical testing. Allele origin: germline. Affected: yes.
Comment: A variant of uncertain significance has been identified in the KBTBD13 gene. The R66H variant has not been published as a pathogenic variant, nor has it been reported as a benign variant to our knowledge. The R66H variant is not observed in large population cohorts (Lek et al., 2016; 1000 Genomes Consortium et al., 2015; Exome Variant Server). The R66H variant is a conservative amino acid substitution, which is not likely to impact secondary protein structure as these residues share similar properties. This substitution occurs at a position that is not conserved. However, in silico analysis is inconsistent in its predictions as to whether or not the variant is damaging to the protein structure/function. Therefore, based on the currently available information, it is unclear whether this variant is a pathogenic variant or a rare benign variant.

NM_001101362.3(KBTBD13):c.197G>A (p.Arg66His)

Gene: KBTBD13 (kelch repeat and BTB domain containing 13; plus strand). Cytogenetic location: 15q22.31.
Variant type: single nucleotide variant.
Coding change: c.197G>A on transcript NM_001101362.3 (MANE Select); coding-DNA position 197, G replaced by A.
Protein change: p.Arg66His; replaces arginine 66 with histidine.
Molecular consequence: missense variant.
Genome position (GRCh38, 1-based): chr15:65,077,012, G>A. VCF-style: chr15-65077012-G-A. GRCh37 (hg19) VCF-style: chr15-65369350-G-A.
Other names: short protein forms R66H.
Identifiers: ClinVar variation 393161 (VCV000393161.11), dbSNP rs939242678, ClinGen allele CA16607832.